The following is an entry in ClinVar:

NM_001256071.3(RNF213):c.4802G>A (p.Arg1601His)

Gene: RNF213 (ring finger protein 213; plus strand). Cytogenetic location: 17q25.3.
Variant type: single nucleotide variant.
Coding change: c.4802G>A on transcript NM_001256071.3 (MANE Select); coding-DNA position 4802, G replaced by A.
Protein change: p.Arg1601His; replaces arginine 1601 with histidine.
Molecular consequence: missense variant.
Genome position (GRCh38, 1-based): chr17:80,337,966, G>A. VCF-style: chr17-80337966-G-A. GRCh37 (hg19) VCF-style: chr17-78311766-G-A.
Other names: c.4949G>A, p.Arg1650His (NM_001410195.1, NM_020914.5); short protein forms R1601H, R1650H.
Identifiers: ClinVar variation 3669289 (VCV003669289.2).

ClinVar aggregate classification (germline): Uncertain significance (1 of 4 stars; one submission).

gnomAD v4.1: 32 of 1,537,188 alleles (0.0021%); highest among the groups gnomAD compares: Admixed American, 0.0039%; no homozygotes.

Submission:

Labcorp Genetics (formerly Invitae), Labcorp
Classification: Uncertain significance. Last evaluated: 2024-06-19. Review status: criteria provided, single submitter. Criteria: Invitae Variant Classification Sherloc (09022015). Collection method: clinical testing. Allele origin: germline.
Comment: This sequence change replaces arginine, which is basic and polar, with histidine, which is basic and polar, at codon 1601 of the RNF213 protein (p.Arg1601His). This variant is present in population databases (rs748382874, gnomAD 0.004%). This variant has not been reported in the literature in individuals affected with RNF213-related conditions. Algorithms developed to predict the effect of missense changes on protein structure and function output the following: SIFT: "Not Available"; PolyPhen-2: "Benign"; Align-GVGD: "Not Available". The histidine amino acid residue is found in multiple mammalian species, which suggests that this missense change does not adversely affect protein function. In summary, the available evidence is currently insufficient to determine the role of this variant in disease. Therefore, it has been classified as a Variant of Uncertain Significance.